The following is an entry in ClinVar:

ClinVar aggregate classification (germline): Uncertain significance. Review status: criteria provided, multiple submitters, no conflicts (2 of 4 stars). 2 submissions from 2 submitters: Uncertain significance (2). Last evaluated 2024-08-14.

Conditions:
Inborn genetic diseases. Identifiers: MedGen C0950123, MeSH D030342.
Hermansky-Pudlak syndrome 2 (HPS2). Also called: Platelet defects and oculocutaneous albinism. Identifiers: Orphanet 183678, Orphanet 79430, MedGen C1842362, MONDO:0011997, OMIM 608233.

Allele frequency attached by ClinVar (database versions not stated): gnomAD exomes 0.00001 and 0.00002; ExAC 0.00003; gnomAD 0.00006 and 0.00007; TOPMed 0.00008; ESP Exome Variant Server 0.00015.
gnomAD v4.1: 22 of 1,554,996 alleles (0.0014%); highest among the groups gnomAD compares: Middle Eastern, 0.034%; no homozygotes.

Submissions (2):

Ambry Genetics
Classification: Uncertain significance for Inborn genetic diseases. Last evaluated: 2024-08-14. Review status: criteria provided, single submitter. Criteria: Ambry Variant Classification Scheme 2023. Collection method: clinical testing. Allele origin: germline.

Labcorp Genetics (formerly Invitae), Labcorp
Classification: Uncertain significance for Hermansky-Pudlak syndrome 2. Last evaluated: 2024-01-22. Review status: criteria provided, single submitter. Criteria: Invitae Variant Classification Sherloc (09022015). Collection method: clinical testing. Allele origin: germline.
Comment: This sequence change replaces valine, which is neutral and non-polar, with isoleucine, which is neutral and non-polar, at codon 816 of the AP3B1 protein (p.Val816Ile). This variant is present in population databases (rs372847987, gnomAD 0.03%). This variant has not been reported in the literature in individuals affected with AP3B1-related conditions. ClinVar contains an entry for this variant (Variation ID: 1367287). Algorithms developed to predict the effect of missense changes on protein structure and function output the following: SIFT: "Not Available"; PolyPhen-2: "Benign"; Align-GVGD: "Not Available". The isoleucine amino acid residue is found in multiple mammalian species, which suggests that this missense change does not adversely affect protein function. In summary, the available evidence is currently insufficient to determine the role of this variant in disease. Therefore, it has been classified as a Variant of Uncertain Significance.

NM_003664.5(AP3B1):c.2446G>A (p.Val816Ile)

Gene: AP3B1 (adaptor related protein complex 3 subunit beta 1; minus strand). Cytogenetic location: 5q14.1.
Variant type: single nucleotide variant.
Coding change: c.2446G>A on transcript NM_003664.5 (MANE Select); coding-DNA position 2446, G replaced by A.
Protein change: p.Val816Ile; replaces valine 816 with isoleucine.
Molecular consequence: missense variant.
Genome position (GRCh38, 1-based): chr5:78,100,977, C>T on the plus strand (G>A on the coding strand, the complement: AP3B1 is on the minus strand). VCF-style: chr5-78100977-C-T. GRCh37 (hg19) VCF-style: chr5-77396801-C-T.
Other names: c.2446G>A (NM_003664.3); c.2299G>A, p.Val767Ile (NM_001271769.2); short protein forms V767I, V816I.
Identifiers: ClinVar variation 1367287 (VCV001367287.7), dbSNP rs372847987, ClinGen allele CA3316769.
Genomic context (GRCh38, chr5:78,100,977, plus strand): 5'-AAACACAGAAGAAATATTTTAAATTACAATACTTACAATCATCCAGATCTAGAAGTGAAA[C>T]ATCTTTGGTAAGAGGAGTTCTATCTTGCTTTGTTTTCTTTTCTTTCTCCTATAAAATAAC-3'
Protein context (NP_003655.3, residues 806-826): KQDRTPLTKD[Val816Ile]SLLDLDDFNP